The following is an entry in ClinVar:

NC_000011.9:g.(?_108113844)_(108175455_?)del

Gene: ATM (ATM serine/threonine kinase; plus strand). Cytogenetic location: 11q22.3.
Variant type: Deletion.
Identifiers: ClinVar variation 3244516 (VCV003244516.1).

ClinVar aggregate classification (germline): Pathogenic (1 of 4 stars; one submission).

Conditions:
Ataxia-telangiectasia syndrome (AT). Also called: LOUIS-BAR SYNDROME; Cerebello-oculocutaneous telangiectasia; Immunodeficiency with ataxia telangiectasia; AT, COMPLEMENTATION GROUP C; Ataxia-telangiectasia, complementation group D; ATAXIA-TELANGIECTASIA, COMPLEMENTATION GROUP A. Identifiers: Orphanet 100, MedGen C0004135, MONDO:0008840, OMIM 208900.

Submission:

Labcorp Genetics (formerly Invitae), Labcorp
Classification: Pathogenic for Ataxia-telangiectasia syndrome. Last evaluated: 2019-07-11. Review status: criteria provided, single submitter. Criteria: Invitae Variant Classification Sherloc (09022015). Collection method: clinical testing. Allele origin: unknown.
Comment: For these reasons, this variant has been classified as Pathogenic. Loss-of-function variants in ATM are known to be pathogenic (PMID: 23807571, 25614872). This variant has not been reported in the literature in individuals with ATM-related conditions. This variant is a deletion of the genomic region encompassing exons 6-36 and part of exon 37 (c.497-836_5550del) of the ATM gene. It is expected to disrupt RNA splicing and likely results in an absent or disrupted protein product.

Literature cited by the submitters: PubMed 23807571; PubMed 25614872.